The following is an entry in ClinVar:

NM_152564.5(VPS13B):c.11012G>A (p.Gly3671Glu)

Gene: VPS13B (vacuolar protein sorting 13 homolog B; plus strand). Cytogenetic location: 8q22.2.
Variant type: single nucleotide variant.
Coding change: c.11012G>A on transcript NM_152564.5 (MANE Select); coding-DNA position 11012, G replaced by A.
Protein change: p.Gly3671Glu; replaces glycine 3671 with glutamic acid.
Molecular consequence: missense variant.
Genome position (GRCh38, 1-based): chr8:99,859,448, G>A. VCF-style: chr8-99859448-G-A. GRCh37 (hg19) VCF-style: chr8-100871676-G-A.
Other names: c.11087G>A, p.Gly3696Glu (NM_017890.5); short protein forms G3671E, G3696E.
Identifiers: ClinVar variation 4879200 (VCV004879200.1).

ClinVar aggregate classification (germline): Uncertain significance (1 of 4 stars; one submission).

Conditions:
Cohen syndrome (COH1). Also called: PEPPER SYNDROME; Cutis verticis gyrata, retinitis pigmentosa, and sensorineural deafness. Identifiers: Orphanet 193, MedGen C0265223, MONDO:0008999, OMIM 216550.

gnomAD v4.1: 1 of 1,614,046 alleles (0.000062%); highest among the groups gnomAD compares: East Asian, 0.0022%; no homozygotes.

Submission:

Clinical Genomics Laboratory, Washington University in St. Louis
Classification: Uncertain significance for Cohen syndrome. Last evaluated: 2025-12-26. Review status: criteria provided, single submitter. Criteria: ACMG Guidelines, 2015. Collection method: clinical testing. Allele origin: germline.
Comment: The VPS13B c.11012G>A (p.Gly3671Glu) variant, to our knowledge, has not been reported in the medical literature. This variant is only observed in 1/251,404 alleles in the general population (gnomAD v.2.1.1), indicating it is not a common variant. Computational predictors indicate that the variant is damaging, evidence that correlates with impact on VPS13B function. Due to limited information, and based on ACMG/AMP guidelines for variant interpretation (Richards S et al., PMID: 25741868), the clinical significance of this variant is uncertain at this time.